The following is an entry in ClinVar:

ClinVar aggregate classification (germline): Uncertain significance. Review status: criteria provided, multiple submitters, no conflicts (2 of 4 stars). 7 submissions from 7 submitters: Uncertain significance (6). 1 of the submissions does not count toward it. Last evaluated 2026-01-27.

Conditions:
Hereditary cancer-predisposing syndrome. Also called: Neoplastic Syndromes, Hereditary; Hereditary neoplastic syndrome; Hereditary Cancer Syndrome; Tumor predisposition. Identifiers: Orphanet 140162, MedGen C0027672, MeSH D009386, MONDO:0015356.
Familial adenomatous polyposis 2. Also called: MUTYH-related attenuated familial adenomatous polyposis; FAP type 2; MUTYH-associated polyposis; MUTYH Polyposis; Adenomas, multiple colorectal; COLORECTAL ADENOMATOUS POLYPOSIS, AUTOSOMAL RECESSIVE. Identifiers: Orphanet 220460, Orphanet 247798, MedGen C3272841, MONDO:0012041, OMIM 608456.
MUTYH-related disorder. Also called: MUTYH-related condition; MUTYH-related disorders.

Allele frequency attached by ClinVar (database versions not stated): TOPMed 0.00002.

Submissions (7):

Labcorp Genetics (formerly Invitae), Labcorp
Classification: Uncertain significance for Familial adenomatous polyposis 2. Last evaluated: 2026-01-27. Review status: criteria provided, single submitter. Criteria: Invitae Variant Classification Sherloc (09022015). Collection method: clinical testing. Allele origin: germline.
Comment: This sequence change replaces valine, which is neutral and non-polar, with methionine, which is neutral and non-polar, at codon 242 of the MUTYH protein (p.Val242Met). This variant is present in population databases (rs769766446, gnomAD 0.0009%). This missense change has been observed in individual(s) with clinical features of MUTYH-associated polyposis (PMID: 31104418, 34326862). ClinVar contains an entry for this variant (Variation ID: 233587). An algorithm developed to predict the effect of missense changes on protein structure and function outputs the following: PolyPhen-2: "Probably Damaging". The methionine amino acid residue is found in multiple mammalian species, which suggests that this missense change does not adversely affect protein function. In summary, the available evidence is currently insufficient to determine the role of this variant in disease. Therefore, it has been classified as a Variant of Uncertain Significance.

Women's Health and Genetics/Laboratory Corporation of America, LabCorp
Classification: Uncertain significance. Last evaluated: 2024-04-22. Review status: criteria provided, single submitter. Criteria: LabCorp Variant Classification Summary - May 2015. Collection method: clinical testing. Allele origin: germline.
Comment: Variant summary: MUTYH c.724G>A (p.Val242Met) results in a conservative amino acid change located in the HhH-GPD superfamily base excision DNA repair protein domain (PF00730) of the encoded protein sequence. Four of five in-silico tools predict a damaging effect of the variant on protein function. The variant allele was found at a frequency of 8e-06 in 250450 control chromosomes. The available data on variant occurrences in the general population are insufficient to allow any conclusion about variant significance. c.724G>A has been reported in the literature in individuals affected with colorectal adenoma (examples: Mahasneh_2019, Bhai_2021). These report(s) do not provide unequivocal conclusions about association of the variant with MUTYH-Associated Polyposis. To our knowledge, no experimental evidence demonstrating an impact on protein function has been reported. The following publications have been ascertained in the context of this evaluation (PMID: 34326862, 31104418). ClinVar contains an entry for this variant (Variation ID: 233587). Based on the evidence outlined above, the variant was classified as uncertain significance.

Ambry Genetics
Classification: Uncertain significance for Hereditary cancer-predisposing syndrome. Last evaluated: 2024-04-15. Review status: criteria provided, single submitter. Criteria: Ambry Variant Classification Scheme 2023. Collection method: clinical testing. Allele origin: germline.
Comment: The p.V242M variant (also known as c.724G>A), located in coding exon 9 of the MUTYH gene, results from a G to A substitution at nucleotide position 724. The valine at codon 242 is replaced by methionine, an amino acid with highly similar properties. This alteration was identified in seven individuals with colorectal adenomas from Jordan (Mahasneh A et al. Iran Biomed J. 2019 11;23:412-22). This amino acid position is highly conserved in available vertebrate species. In addition, this alteration is predicted to be deleterious by in silico analysis. Since supporting evidence is limited at this time, the clinical significance of this alteration remains unclear.

Baylor Genetics
Classification: Uncertain significance for Familial adenomatous polyposis 2. Last evaluated: 2024-01-04. Review status: criteria provided, single submitter. Criteria: ACMG Guidelines, 2015. Collection method: clinical testing. Allele origin: unknown.

Quest Diagnostics Nichols Institute San Juan Capistrano
Classification: Uncertain significance. Last evaluated: 2023-10-06. Review status: criteria provided, single submitter. Criteria: Quest Diagnostics criteria. Collection method: clinical testing. Allele origin: unknown.

GeneDx
Classification: Uncertain significance. Last evaluated: 2017-02-22. Review status: criteria provided, single submitter. Criteria: GeneDx Variant Classification (06012015). Collection method: clinical testing. Allele origin: germline. Affected: yes.
Comment: This variant is denoted MUTYH c.724G>A at the cDNA level, p.Val242Met (V242M) at the protein level, and results in the change of a Valine to a Methionine (GTG>ATG). This variant has not, to our knowledge, been published in the literature as pathogenic or benign. MUTYH Val242Met was not observed in approximately 6,500 individuals of European and African American ancestry in the NHLBI Exome Sequencing Project, suggesting it is not a common benign variant in these populations. Since Valine and Methionine share similar properties, this is considered a conservative amino acid substitution. MUTYH Val242Met occurs at a position that is conserved across species and is located within the FeS cluster domain (Ruggieri 2013). In silico analyses predict that this variant is probably damaging to protein structure and function. Based on currently available evidence, it is unclear whether MUTYH Val242Met is a pathogenic or benign variant. We consider it to be a variant of uncertain significance. Of note, MUTYH-Associated Polyposis (MAP) is a recessive condition associated with two pathogenic variants on opposite chromosomes in MUTYH.

PreventionGenetics, part of Exact Sciences
Classification: Uncertain significance for MUTYH-related condition. Last evaluated: 2024-07-08. Review status: no assertion criteria provided. Collection method: clinical testing. Allele origin: germline. Not counted in ClinVar's aggregate classification.
Comment: The MUTYH c.724G>A variant is predicted to result in the amino acid substitution p.Val242Met. This variant was reported in an individual with solitary colorectal cancer and in an individual with colorectal polyps (Supplementary Data 5. Cereda M et al 2016. PubMed ID: 27377421; Table S4. Bhai et al. 2021. PubMed ID: 34326862). This variant was also reported in seven individuals with colorectal adenoma (Mahasneh et al 2019. PubMed ID: 31104418). This variant is reported in 0.0018% of alleles in individuals of European (Non-Finnish) descent in gnomAD. This variant is classified as a variant of uncertain significance in ClinVar. At this time, the clinical significance of this variant is uncertain due to the absence of conclusive functional and genetic evidence.

Literature cited by the submitters: PubMed 31104418 (cited by 4 submitters); PubMed 34326862 (cited by Labcorp Genetics (formerly Invitae), Labcorp and Women's Health and Genetics/Laboratory Corporation of America, LabCorp); PubMed 27377421 (cited by Quest Diagnostics Nichols Institute San Juan Capistrano); PubMed 33471991 (cited by Quest Diagnostics Nichols Institute San Juan Capistrano).

NM_001048174.2(MUTYH):c.640G>A (p.Val214Met)

Gene: MUTYH (mutY DNA glycosylase; minus strand). Cytogenetic location: 1p34.1.
Variant type: single nucleotide variant.
Coding change: c.640G>A on transcript NM_001048174.2 (MANE Select); coding-DNA position 640, G replaced by A.
Protein change: p.Val214Met; replaces valine 214 with methionine.
Molecular consequence: missense variant. On other transcripts: non-coding transcript variant (2).
Genome position (GRCh38, 1-based): chr1:45,332,455, C>T on the plus strand (G>A on the coding strand, the complement: MUTYH is on the minus strand). VCF-style: chr1-45332455-C-T. GRCh37 (hg19) VCF-style: chr1-45798127-C-T.
Other names: c.640G>A, p.Val214Met (NM_001048171.2, NM_001048173.2, NM_001293195.2); c.643G>A, p.Val215Met (NM_001048172.2); c.724G>A, p.Val242Met (NM_001128425.2); c.685G>A, p.Val229Met (NM_001293190.2); c.673G>A, p.Val225Met (NM_001293191.2); c.364G>A, p.Val122Met (NM_001293192.2, NM_001293196.2); c.295G>A, p.Val99Met (NM_001350650.2, NM_001350651.2); c.715G>A, p.Val239Met (NM_012222.3); short protein forms V242M, V225M, V122M, V229M, V99M, V214M, V215M, V239M.
Identifiers: ClinVar variation 233587 (VCV000233587.22), dbSNP rs769766446, ClinGen allele CA058850.